The following is an entry in ClinVar:

NM_002317.7(LOX):c.874C>T (p.His292Tyr)

Genes: LOX (lysyl oxidase; minus strand), SRFBP1 (serum response factor binding protein 1; plus strand). Cytogenetic location: 5q23.1.
Variant type: single nucleotide variant.
Coding change: c.874C>T on transcript NM_002317.7 (MANE Select); coding-DNA position 874, C replaced by T.
Protein change: p.His292Tyr; replaces histidine 292 with tyrosine.
Molecular consequence: missense variant. On other transcripts: 5 prime UTR variant (1).
Genome position (GRCh38, 1-based): chr5:122,075,408, G>A on the plus strand (C>T on the coding strand, the complement: LOX is on the minus strand). VCF-style: chr5-122075408-G-A. GRCh37 (hg19) VCF-style: chr5-121411103-G-A.
Other names: c.184C>T, p.His62Tyr (NM_001178102.2); c.-18C>T (NM_001317073.1); short protein forms H62Y, H292Y.
Identifiers: ClinVar variation 2744402 (VCV002744402.3), dbSNP rs2532911244, ClinGen allele CA360881993.

ClinVar aggregate classification (germline): Uncertain significance (1 of 4 stars; one submission).

Submission:

Labcorp Genetics (formerly Invitae), Labcorp
Classification: Uncertain significance. Last evaluated: 2023-09-28. Review status: criteria provided, single submitter. Criteria: Invitae Variant Classification Sherloc (09022015). Collection method: clinical testing. Allele origin: germline.
Comment: In summary, the available evidence is currently insufficient to determine the role of this variant in disease. Therefore, it has been classified as a Variant of Uncertain Significance. Advanced modeling of protein sequence and biophysical properties (such as structural, functional, and spatial information, amino acid conservation, physicochemical variation, residue mobility, and thermodynamic stability) has been performed at Invitae for this missense variant, however the output from this modeling did not meet the statistical confidence thresholds required to predict the impact of this variant on LOX protein function. This missense change has been observed in individual(s) with clinical features of thoracic aortic aneurysm and dissection (TAAD) (Invitae). This variant is not present in population databases (gnomAD no frequency). This sequence change replaces histidine, which is basic and polar, with tyrosine, which is neutral and polar, at codon 292 of the LOX protein (p.His292Tyr).